The following is an entry in ClinVar:

NM_001384140.1(PCDH15):c.4860G>A (p.Thr1620=)

Gene: PCDH15 (protocadherin related 15; minus strand). Cytogenetic location: 10q21.1.
Variant type: single nucleotide variant.
Coding change: c.4860G>A on transcript NM_001384140.1 (MANE Select); coding-DNA position 4860, G replaced by A.
Protein change: p.Thr1620=; no amino-acid change (threonine 1620 retained).
Molecular consequence: synonymous variant.
Genome position (GRCh38, 1-based): chr10:53,806,942, C>T on the plus strand (G>A on the coding strand, the complement: PCDH15 is on the minus strand). VCF-style: chr10-53806942-C-T. GRCh37 (hg19) VCF-style: chr10-55566702-C-T.
Other names: c.4686G>A, p.Thr1562= (NM_001142771.2); c.4671G>A, p.Thr1557= (NM_001142772.2); c.4665G>A, p.Thr1555= (NM_001354420.2); c.4794G>A, p.Thr1598= (NM_001354429.2).
Identifiers: ClinVar variation 227003 (VCV000227003.35), dbSNP rs148772706, ClinGen allele CA5504585.

ClinVar aggregate classification (germline): Benign/Likely benign. Review status: criteria provided, multiple submitters, no conflicts (2 of 4 stars). 5 submissions from 5 submitters: Benign (2); Likely benign (3). Last evaluated 2026-09-01.

Allele frequency attached by ClinVar (database versions not stated): 1000 Genomes Project 0.00060; 1000 Genomes Project 30x 0.00109; ExAC 0.00251; TOPMed 0.00255; gnomAD exomes 0.00264; gnomAD 0.00274 and 0.00278; ESP Exome Variant Server 0.00291.
gnomAD v4.1: 6,586 of 1,613,760 alleles (0.41%); highest among the groups gnomAD compares: Non-Finnish European, 0.51%; 15 homozygotes.

Submissions (5):

CeGaT Center for Human Genetics Tuebingen
Classification: Likely benign. Last evaluated: 2026-09-01. Review status: criteria provided, single submitter. Criteria: CeGaT Center For Human Genetics Tuebingen Variant Classification Criteria Version 2. Collection method: clinical testing. Allele origin: germline. Affected: yes. Observed: 14 variant alleles.
Comment: PCDH15: BP4, BP7, BS2

Blueprint Genetics
Classification: Likely benign. Last evaluated: 2024-11-25. Review status: criteria provided, single submitter. Criteria: ACMG Guidelines, 2015. Collection method: clinical testing. Allele origin: germline.

Athena Diagnostics
Classification: Benign. Last evaluated: 2018-11-12. Review status: criteria provided, single submitter. Criteria: Athena Diagnostics Criteria. Collection method: clinical testing. Allele origin: germline.

Eurofins Ntd Llc (ga)
Classification: Likely benign. Last evaluated: 2016-05-17. Review status: criteria provided, single submitter. Criteria: EGL Classification Definitions 2015. Collection method: clinical testing. Allele origin: germline. Observed: 1 variant allele, 1 heterozygote.

Laboratory for Molecular Medicine, Mass General Brigham Personalized Medicine
Classification: Benign. Last evaluated: 2012-04-30. Review status: criteria provided, single submitter. Criteria: LMM Criteria. Collection method: clinical testing. Allele origin: germline. Observed: 8 variant alleles.
Comment: Thr1562Thr in Exon 36C of PCDH15: This variant is not expected to have clinical significance because it does not alter an amino acid residue, is not located wit hin the splice consensus sequence, and has been identified in 0.4% (20/5444) of European American chromosomes from a broad population by the NHLBI Exome Sequenc ing Project (dbSNP rs148772706).